The following is an entry in ClinVar:

NM_000843.4(GRM6):c.1500+5G>C

Genes: GRM6 (glutamate metabotropic receptor 6; minus strand), ZNF454 (zinc finger protein 454; plus strand). Cytogenetic location: 5q35.3.
Variant type: single nucleotide variant.
Coding change: c.1500+5G>C on transcript NM_000843.4 (MANE Select); 5 bases into the intron after coding-DNA position 1500, G replaced by C.
Molecular consequence: intron variant.
Genome position (GRCh38, 1-based): chr5:178,986,833, C>G on the plus strand (G>C on the coding strand, the complement: GRM6 is on the minus strand). VCF-style: chr5-178986833-C-G. GRCh37 (hg19) VCF-style: chr5-178413834-C-G.
Identifiers: ClinVar variation 1026274 (VCV001026274.7), dbSNP rs1760571217, ClinGen allele CA2499217799.

ClinVar aggregate classification (germline): Uncertain significance. Review status: criteria provided, multiple submitters, no conflicts (2 of 4 stars). 2 submissions from 2 submitters: Uncertain significance (2). Last evaluated 2020-06-23.

Submissions (2):

Labcorp Genetics (formerly Invitae), Labcorp
Classification: Uncertain significance. Last evaluated: 2020-06-23. Review status: criteria provided, single submitter. Criteria: Invitae Variant Classification Sherloc (09022015). Collection method: clinical testing. Allele origin: germline.
Comment: This variant is not present in population databases (ExAC no frequency). In summary, the available evidence is currently insufficient to determine the role of this variant in disease. Therefore, it has been classified as a Variant of Uncertain Significance. Nucleotide substitutions within the consensus splice site are a relatively common cause of aberrant splicing (PMID: 17576681, 9536098). Algorithms developed to predict the effect of sequence changes on RNA splicing suggest that this variant may disrupt the consensus splice site, but this prediction has not been confirmed by published transcriptional studies. This variant has not been reported in the literature in individuals with GRM6-related conditions. This sequence change falls in intron 7 of the GRM6 gene. It does not directly change the encoded amino acid sequence of the GRM6 protein, but it affects a nucleotide within the consensus splice site of the intron.

Blueprint Genetics
Classification: Uncertain significance. Last evaluated: 2020-06-09. Review status: criteria provided, single submitter. Criteria: ACMG Guidelines, 2015. Collection method: clinical testing. Allele origin: germline.

Literature cited by the submitters: PubMed 17576681 (cited by Labcorp Genetics (formerly Invitae), Labcorp); PubMed 9536098 (cited by Labcorp Genetics (formerly Invitae), Labcorp).